The following is an entry in ClinVar:

NM_000051.4(ATM):c.6689T>C (p.Ile2230Thr)

Genes: ATM (ATM serine/threonine kinase; plus strand), C11orf65 (chromosome 11 open reading frame 65; minus strand). Cytogenetic location: 11q22.3.
Variant type: single nucleotide variant.
Coding change: c.6689T>C on transcript NM_000051.4 (MANE Select); coding-DNA position 6689, T replaced by C.
Protein change: p.Ile2230Thr; replaces isoleucine 2230 with threonine.
Molecular consequence: missense variant. On other transcripts: intron variant (2).
Genome position (GRCh38, 1-based): chr11:108,325,426, T>C. VCF-style: chr11-108325426-T-C. GRCh37 (hg19) VCF-style: chr11-108196153-T-C.
Other names: c.6689T>C, p.Ile2230Thr (NM_001351834.2); c.641-16355A>G (NM_001330368.2); c.*38+9794A>G (NM_001351110.2); short protein forms I2230T.
Identifiers: ClinVar variation 141189 (VCV000141189.21), dbSNP rs587781562, ClinGen allele CA164714.

ClinVar aggregate classification (germline): Uncertain significance. Review status: criteria provided, multiple submitters, no conflicts (2 of 4 stars). 7 submissions from 7 submitters: Uncertain significance (7). Last evaluated 2025-03-11.

Conditions:
Hereditary cancer-predisposing syndrome. Also called: Neoplastic Syndromes, Hereditary; Hereditary Cancer Syndrome; Tumor predisposition; Hereditary neoplastic syndrome. Identifiers: Orphanet 140162, MedGen C0027672, MeSH D009386, MONDO:0015356.
Breast and/or ovarian cancer. Identifiers: MedGen CN221562.
Ataxia-telangiectasia syndrome (AT). Also called: Ataxia-telangiectasia, complementation group D; AT, COMPLEMENTATION GROUP C; Ataxia-telangiectasia; ATAXIA-TELANGIECTASIA, COMPLEMENTATION GROUP A; ATAXIA-TELANGIECTASIA, FRESNO VARIANT; Ataxia-telangiectasia, complementation group E. Identifiers: Orphanet 100, MedGen C0004135, MONDO:0008840, OMIM 208900.

Allele frequency attached by ClinVar (database versions not stated): gnomAD exomes below 0.00001; TOPMed 0.00001.
gnomAD v4.1: 1 of 1,613,790 alleles (0.000062%); highest among the groups gnomAD compares: Non-Finnish European, 0.000085%; no homozygotes.

Submissions (7):

Color Diagnostics, LLC DBA Color Health
Classification: Uncertain significance for Hereditary cancer-predisposing syndrome. Last evaluated: 2025-03-11. Review status: criteria provided, single submitter. Criteria: ACMG Guidelines, 2015. Collection method: clinical testing. Allele origin: germline.
Comment: This missense variant replaces isoleucine with threonine at codon 2230 of the ATM protein. Computational prediction suggests that this variant may not impact protein structure and function. To our knowledge, functional studies have not been reported for this variant. This variant has been reported in an individual affected with breast cancer (PMID: 20305132). This variant has been identified in 1/251174 chromosomes in the general population by the Genome Aggregation Database (gnomAD). The available evidence is insufficient to determine the role of this variant in disease conclusively. Therefore, this variant is classified as a Variant of Uncertain Significance.

Ambry Genetics
Classification: Uncertain significance for Hereditary cancer-predisposing syndrome. Last evaluated: 2025-01-16. Review status: criteria provided, single submitter. Criteria: Ambry Variant Classification Scheme 2023. Collection method: clinical testing. Allele origin: germline.
Comment: The p.I2230T variant (also known as c.6689T>C), located in coding exon 45 of the ATM gene, results from a T to C substitution at nucleotide position 6689. The isoleucine at codon 2230 is replaced by threonine, an amino acid with similar properties. This amino acid position is not well conserved in available vertebrate species. In addition, the in silico prediction for this alteration is inconclusive. Based on the available evidence, the clinical significance of this variant remains unclear.

Labcorp Genetics (formerly Invitae), Labcorp
Classification: Uncertain significance for Ataxia-telangiectasia syndrome. Last evaluated: 2024-12-23. Review status: criteria provided, single submitter. Criteria: Invitae Variant Classification Sherloc (09022015). Collection method: clinical testing. Allele origin: germline.
Comment: This sequence change replaces isoleucine, which is neutral and non-polar, with threonine, which is neutral and polar, at codon 2230 of the ATM protein (p.Ile2230Thr). This variant is present in population databases (rs587781562, gnomAD 0.0009%). This missense change has been observed in individual(s) with breast cancer (PMID: 20305132). ClinVar contains an entry for this variant (Variation ID: 141189). Invitae Evidence Modeling of protein sequence and biophysical properties (such as structural, functional, and spatial information, amino acid conservation, physicochemical variation, residue mobility, and thermodynamic stability) indicates that this missense variant is not expected to disrupt ATM protein function with a negative predictive value of 95%. In summary, the available evidence is currently insufficient to determine the role of this variant in disease. Therefore, it has been classified as a Variant of Uncertain Significance.

Quest Diagnostics Nichols Institute San Juan Capistrano
Classification: Uncertain significance. Last evaluated: 2024-12-23. Review status: criteria provided, single submitter. Criteria: Quest Diagnostics criteria. Collection method: clinical testing. Allele origin: unknown.

CHEO Genetics Diagnostic Laboratory, Children's Hospital of Eastern Ontario
Classification: Uncertain significance for Breast and/or ovarian cancer. Last evaluated: 2023-03-03. Review status: criteria provided, single submitter. Criteria: ACMG Guidelines, 2015. Collection method: clinical testing. Allele origin: germline.

Women's Health and Genetics/Laboratory Corporation of America, LabCorp
Classification: Uncertain significance. Last evaluated: 2022-09-08. Review status: criteria provided, single submitter. Criteria: LabCorp Variant Classification Summary - May 2015. Collection method: clinical testing. Allele origin: germline.
Comment: Variant summary: ATM c.6689T>C (p.Ile2230Thr) results in a non-conservative amino acid change located in the PIK-related kinase domain (IPR014009) of the encoded protein sequence. Three of five in-silico tools predict a damaging effect of the variant on protein function. The variant allele was found at a frequency of 4e-06 in 251174 control chromosomes (gnomAD). The available data on variant occurrences in the general population are insufficient to allow any conclusion about variant significance. To our knowledge c.6689T>C has not been reported in the literature in individuals affected with Prostate Cancer and no experimental evidence demonstrating an impact on protein function has been reported. Four clinical diagnostic laboratories have submitted clinical-significance assessments for this variant to ClinVar after 2014 and all laboratories classified the variant as uncertain significance. Based on the evidence outlined above, the variant was classified as uncertain significance.

Mendelics
Classification: Uncertain significance for Ataxia-telangiectasia syndrome. Last evaluated: 2019-05-28. Review status: criteria provided, single submitter. Criteria: Mendelics Assertion Criteria 2017. Collection method: clinical testing. Allele origin: unknown.

Literature cited by the submitters: PubMed 20305132 (cited by 3 submitters).